The following is an entry in ClinVar:

ClinVar aggregate classification (germline): Uncertain significance. Review status: criteria provided, multiple submitters, no conflicts (2 of 4 stars). 2 submissions from 2 submitters: Uncertain significance (2). Last evaluated 2023-03-21.

Conditions:
Bardet-Biedl syndrome (BBS). Identifiers: Orphanet 110, MedGen C0752166, MONDO:0015229.
Inborn genetic diseases. Identifiers: MedGen C0950123, MeSH D030342.

Allele frequency attached by ClinVar (database versions not stated): ExAC 0.00001; gnomAD 0.00001; TOPMed 0.00002.
gnomAD v4.1: 14 of 1,614,058 alleles (0.00087%); highest among the groups gnomAD compares: African/African-American, 0.0013%; no homozygotes.

Submissions (2):

Ambry Genetics
Classification: Uncertain significance for Inborn genetic diseases. Last evaluated: 2023-03-21. Review status: criteria provided, single submitter. Criteria: Ambry Variant Classification Scheme 2023. Collection method: clinical testing. Allele origin: germline.

Labcorp Genetics (formerly Invitae), Labcorp
Classification: Uncertain significance for Bardet-Biedl syndrome. Last evaluated: 2021-01-28. Review status: criteria provided, single submitter. Criteria: Invitae Variant Classification Sherloc (09022015). Collection method: clinical testing. Allele origin: germline.
Comment: In summary, the available evidence is currently insufficient to determine the role of this variant in disease. Therefore, it has been classified as a Variant of Uncertain Significance. Algorithms developed to predict the effect of missense changes on protein structure and function (SIFT, PolyPhen-2, Align-GVGD) all suggest that this variant is likely to be disruptive, but these predictions have not been confirmed by published functional studies and their clinical significance is uncertain. This variant has not been reported in the literature in individuals with TRIM32-related conditions. ClinVar contains an entry for this variant (Variation ID: 954278). This variant is present in population databases (rs746590049, ExAC 0.01%). This sequence change replaces serine with leucine at codon 570 of the TRIM32 protein (p.Ser570Leu). The serine residue is highly conserved and there is a large physicochemical difference between serine and leucine.

NM_012210.4(TRIM32):c.1709C>T (p.Ser570Leu)

Genes: ASTN2 (astrotactin 2; minus strand), TRIM32 (tripartite motif containing 32; plus strand). Cytogenetic location: 9q33.1.
Variant type: single nucleotide variant.
Coding change: c.1709C>T on transcript NM_012210.4 (MANE Select); coding-DNA position 1709, C replaced by T.
Protein change: p.Ser570Leu; replaces serine 570 with leucine.
Molecular consequence: missense variant. On other transcripts: intron variant (3).
Genome position (GRCh38, 1-based): chr9:116,699,451, C>T. VCF-style: chr9-116699451-C-T. GRCh37 (hg19) VCF-style: chr9-119461730-C-T.
Other names: c.2794+26320G>A (NM_001365069.1); c.2806+26320G>A (NM_001365068.1); c.1709C>T, p.Ser570Leu (NM_001099679.2, NM_001379048.1, NM_001379049.1 and 1 more transcripts); c.2653+26320G>A (NM_014010.5); short protein forms S570L.
Identifiers: ClinVar variation 954278 (VCV000954278.11), dbSNP rs746590049, ClinGen allele CA5211197.